The following is an entry in ClinVar:

ClinVar aggregate classification (germline): Uncertain significance. Review status: criteria provided, single submitter (1 of 4 stars). 2 submissions from 2 submitters: Uncertain significance (1). 1 of the submissions does not count toward it. Last evaluated 2022-04-01.

Conditions:
Glycogen storage disease type III (GSD3). Also called: FORBES DISEASE; Cori disease. Identifiers: Orphanet 366, MedGen C0017922, MONDO:0009291, OMIM 232400.

Allele frequency attached by ClinVar (database versions not stated): gnomAD exomes below 0.00001.
gnomAD v4.1: 2 of 1,613,270 alleles (0.00012%); highest among the groups gnomAD compares: East Asian, 0.0022%; no homozygotes.

Submissions (2):

Labcorp Genetics (formerly Invitae), Labcorp
Classification: Uncertain significance for Glycogen storage disease type III. Last evaluated: 2022-04-01. Review status: criteria provided, single submitter. Criteria: Invitae Variant Classification Sherloc (09022015). Collection method: clinical testing. Allele origin: germline.
Comment: In summary, the available evidence is currently insufficient to determine the role of this variant in disease. Therefore, it has been classified as a Variant of Uncertain Significance. Algorithms developed to predict the effect of missense changes on protein structure and function (SIFT, PolyPhen-2, Align-GVGD) all suggest that this variant is likely to be disruptive. This variant has not been reported in the literature in individuals affected with AGL-related conditions. This variant is not present in population databases (gnomAD no frequency). This sequence change replaces glycine, which is neutral and non-polar, with arginine, which is basic and polar, at codon 1264 of the AGL protein (p.Gly1264Arg).

Natera, Inc.
Classification: Uncertain significance for Glycogen storage disease type III. Last evaluated: 2025-04-10. Review status: no assertion criteria provided. Collection method: clinical testing. Allele origin: germline. Not counted in ClinVar's aggregate classification.

NM_000642.3(AGL):c.3790G>A (p.Gly1264Arg)

Gene: AGL (amylo-alpha-1,6-glucosidase and 4-alpha-glucanotransferase; plus strand). Cytogenetic location: 1p21.2.
Variant type: single nucleotide variant.
Coding change: c.3790G>A on transcript NM_000642.3 (MANE Select); coding-DNA position 3790, G replaced by A.
Protein change: p.Gly1264Arg; replaces glycine 1264 with arginine.
Molecular consequence: missense variant.
Genome position (GRCh38, 1-based): chr1:99,910,801, G>A. VCF-style: chr1-99910801-G-A. GRCh37 (hg19) VCF-style: chr1-100376357-G-A.
Other names: c.3790G>A, p.Gly1264Arg (NM_000028.3, NM_000643.3, NM_000644.3 and 1 more transcripts); c.3742G>A, p.Gly1248Arg (NM_000646.3); c.3769G>A, p.Gly1257Arg (NM_001425326.1); c.3589G>A, p.Gly1197Arg (NM_001425327.1); c.3586G>A, p.Gly1196Arg (NM_001425328.1); c.3451G>A, p.Gly1151Arg (NM_001425329.1); c.3412G>A, p.Gly1138Arg (NM_001425332.1); c.3790G>A (NM_000642.2); short protein forms G1248R, G1264R, G1138R, G1151R, G1196R, G1197R, G1257R.
Identifiers: ClinVar variation 1963245 (VCV001963245.5), dbSNP rs2523798798, ClinGen allele CA341337881.